The following is an entry in ClinVar:

NM_006231.4(POLE):c.3442C>G (p.Pro1148Ala)

Gene: POLE (DNA polymerase epsilon, catalytic subunit; minus strand). Cytogenetic location: 12q24.33.
Variant type: single nucleotide variant.
Coding change: c.3442C>G on transcript NM_006231.4 (MANE Select); coding-DNA position 3442, C replaced by G.
Protein change: p.Pro1148Ala; replaces proline 1148 with alanine.
Molecular consequence: missense variant.
Genome position (GRCh38, 1-based): chr12:132,657,366, G>C on the plus strand (C>G on the coding strand, the complement: POLE is on the minus strand). VCF-style: chr12-132657366-G-C. GRCh37 (hg19) VCF-style: chr12-133233952-G-C.
Other names: short protein forms P1148A.
Identifiers: ClinVar variation 1731480 (VCV001731480.2), dbSNP rs2138659305, ClinGen allele CA387389007.

ClinVar aggregate classification (germline): Uncertain significance (1 of 4 stars; one submission).

Conditions:
Hereditary cancer-predisposing syndrome. Also called: Neoplastic Syndromes, Hereditary; Tumor predisposition; Hereditary Cancer Syndrome; Hereditary neoplastic syndrome. Identifiers: Orphanet 140162, MedGen C0027672, MeSH D009386, MONDO:0015356.

Submission:

Ambry Genetics
Classification: Uncertain significance for Hereditary cancer-predisposing syndrome. Last evaluated: 2022-01-30. Review status: criteria provided, single submitter. Criteria: Ambry Variant Classification Scheme 2023. Collection method: clinical testing. Allele origin: germline.
Comment: The p.P1148A variant (also known as c.3442C>G), located in coding exon 28 of the POLE gene, results from a C to G substitution at nucleotide position 3442. The proline at codon 1148 is replaced by alanine, an amino acid with highly similar properties. This amino acid position is conserved. In addition, the in silico prediction for this alteration is inconclusive. Since supporting evidence is limited at this time, the clinical significance of this alteration remains unclear.